The following is an entry in ClinVar:

ClinVar aggregate classification (germline): Uncertain significance (1 of 4 stars; one submission).

Conditions:
Hereditary cancer-predisposing syndrome. Also called: Hereditary neoplastic syndrome; Neoplastic Syndromes, Hereditary; Tumor predisposition; Hereditary Cancer Syndrome. Identifiers: Orphanet 140162, MedGen C0027672, MeSH D009386, MONDO:0015356.

Submission:

Ambry Genetics
Classification: Uncertain significance for Hereditary cancer-predisposing syndrome. Last evaluated: 2025-08-27. Review status: criteria provided, single submitter. Criteria: Ambry Variant Classification Scheme 2023. Collection method: clinical testing. Allele origin: germline.
Comment: The p.R16G variant (also known as c.46A>G), located in coding exon 2 of the MUTYH gene, results from an A to G substitution at nucleotide position 46. The arginine at codon 16 is replaced by glycine, an amino acid with dissimilar properties. This amino acid position is conserved. In addition, this alteration is predicted to be tolerated by in silico analysis. Based on the available evidence, the clinical significance of this variant remains unclear.

NM_001048174.2(MUTYH):c.4A>G (p.Arg2Gly)

Gene: MUTYH (mutY DNA glycosylase; minus strand). Cytogenetic location: 1p34.1.
Variant type: single nucleotide variant.
Coding change: c.4A>G on transcript NM_001048174.2 (MANE Select); coding-DNA position 4, A replaced by G.
Protein change: p.Arg2Gly; replaces arginine 2 with glycine.
Molecular consequence: missense variant. On other transcripts: 5 prime UTR variant (7), non-coding transcript variant (7).
Genome position (GRCh38, 1-based): chr1:45,334,502, T>C on the plus strand (A>G on the coding strand, the complement: MUTYH is on the minus strand). VCF-style: chr1-45334502-T-C. GRCh37 (hg19) VCF-style: chr1-45800174-T-C.
Other names: c.4A>G, p.Arg2Gly (NM_001048171.2, NM_001048172.2, NM_001048173.2 and 15 more transcripts); c.46A>G, p.Arg16Gly (NM_001128425.2, NM_001293190.2, NM_001407069.1 and 2 more transcripts); c.-209A>G (NM_001293192.2, NM_001293196.2, NM_001407091.1); c.-268A>G (NM_001350650.2); c.-204A>G (NM_001350651.2, NM_001407082.1); c.-153A>G (NM_001407075.1); c.22A>G, p.Arg8Gly (NM_001407087.1); short protein forms R16G, R2G, R8G.
Identifiers: ClinVar variation 4113675 (VCV004113675.1).